The following is an entry in ClinVar:

ClinVar aggregate classification (germline): Conflicting classifications of pathogenicity. Review status: criteria provided, conflicting classifications (1 of 4 stars). 2 submissions from 2 submitters: Uncertain significance (1); Benign (1). Last evaluated 2025-07-07.

Conditions:
Lynch syndrome 4 (LYNCH4). Also called: Colorectal cancer, hereditary nonpolyposis, type 4; Hereditary non-polyposis colorectal cancer, type 4. Identifiers: Orphanet 144, MedGen C1838333, MONDO:0013699, OMIM 614337. Disease mechanism: loss of function.
Hereditary cancer-predisposing syndrome. Also called: Hereditary Cancer Syndrome; Hereditary neoplastic syndrome; Neoplastic Syndromes, Hereditary; Tumor predisposition. Identifiers: Orphanet 140162, MedGen C0027672, MeSH D009386, MONDO:0015356.

gnomAD v4.1: 31 of 911,768 alleles (0.0034%); highest among the groups gnomAD compares: East Asian, 0.089%; 6 homozygotes.

Submissions (2):

Color Diagnostics, LLC DBA Color Health
Classification: Uncertain significance for Hereditary cancer-predisposing syndrome. Last evaluated: 2025-07-07. Review status: criteria provided, single submitter. Criteria: ACMG Guidelines, 2015. Collection method: clinical testing. Allele origin: germline.
Comment: This variant is located in the 3' untranslated region of the PMS2 gene. To our knowledge, functional studies have not been reported for this variant. This variant has not been reported in individuals affected with PMS2-related disorders in the literature. This variant has not been identified in the general population by the Genome Aggregation Database (gnomAD). The available evidence is insufficient to determine the role of this variant in disease conclusively. Therefore, this variant is classified as a Variant of Uncertain Significance.

Myriad Genetics, Inc.
Classification: Benign for Lynch syndrome 4. Last evaluated: 2025-02-04. Review status: criteria provided, single submitter. Criteria: Myriad Autosomal Dominant, Autosomal Recessive and X-Linked Classification Criteria (2023). Collection method: clinical testing. Allele origin: unknown.
Comment: This variant is considered benign. This variant occurs in the non-coding 3' untranslated region of the gene, and is not expected to impact protein function.

NM_000535.7(PMS2):c.*6G>C

Gene: PMS2 (PMS1 homolog 2, mismatch repair system component; minus strand). Cytogenetic location: 7p22.1.
Variant type: single nucleotide variant.
Coding change: c.*6G>C on transcript NM_000535.7 (MANE Select); 6 bases downstream of the stop codon, G replaced by C.
Molecular consequence: 3 prime UTR variant. On other transcripts: non-coding transcript variant (1).
Genome position (GRCh38, 1-based): chr7:5,973,393, C>G on the plus strand (G>C on the coding strand, the complement: PMS2 is on the minus strand). VCF-style: chr7-5973393-C-G. GRCh37 (hg19) VCF-style: chr7-6013024-C-G.
Other names: c.*6G>C (NM_001322003.2, NM_001322004.2, NM_001322005.2 and 56 more transcripts).
Identifiers: ClinVar variation 3903602 (VCV003903602.2).